The following is an entry in ClinVar:

NM_019098.5(CNGB3):c.960del (p.Pro321fs)

Gene: CNGB3 (cyclic nucleotide gated channel subunit beta 3; minus strand). Cytogenetic location: 8q21.3.
Variant type: Deletion.
Coding change: c.960del on transcript NM_019098.5 (MANE Select); coding-DNA position 960, one base deleted (T; older notation c.960delT).
Protein change: p.Pro321fs; shifts the reading frame from proline 321.
Molecular consequence: frameshift variant.
Genome position (GRCh38, 1-based): chr8:86,647,831, A deleted on the plus strand (T on the coding strand, the reverse complement: CNGB3 is on the minus strand). VCF-style (leftmost placement, unchanged base first): chr8-86647830-GA-G. GRCh37 (hg19) VCF-style: chr8-87660058-GA-G.
Other names: short protein forms P321fs.
Identifiers: ClinVar variation 4816024 (VCV004816024.1).
Genomic context (GRCh38, chr8:86,647,830, plus strand): 5'-GGGAAAAGACAATTAAATATAGTTATCTTACCTTTAACATCCTATTTGCTCTAAACATTG[GA>G]TTAAACCCAAAGAAGAGGTAGCAAATATCAAATGGTATTATTGATGCGACATCCAACTGT-3'

ClinVar aggregate classification (germline): Likely pathogenic (1 of 4 stars; one submission).

Conditions:
Achromatopsia. Also called: Rod monochromatism. Identifiers: Orphanet 49382, MedGen C0152200, MONDO:0018852, HP:0011516.

Submission:

Natera, Inc.
Classification: Likely pathogenic for Achromatopsia. Last evaluated: 2024-09-03. Review status: criteria provided, single submitter. Criteria: Natera Variant Classification Schema (03/2026). Collection method: clinical testing. Allele origin: germline.
Comment: The c.960del variant in CNGB3 is a frameshift variant predicted to shift the reading frame beginning at codon 321 and leads to a stop codon 9 codons downstream. This variant is expected to result in nonsense mediated decay, truncation, or a dysfunctional protein product. This variant is rare in the general population with a frequency below the threshold expected for the associated phenotype(s). Given the available evidence, this variant is classified as Likely Pathogenic.